The following is an entry in ClinVar:

ClinVar aggregate classification (germline): Uncertain significance. Review status: criteria provided, multiple submitters, no conflicts (2 of 4 stars). 2 submissions from 2 submitters: Uncertain significance (2). Last evaluated 2025-11-03.

Conditions:
Hereditary cancer-predisposing syndrome. Also called: Hereditary Cancer Syndrome; Tumor predisposition; Hereditary neoplastic syndrome; Neoplastic Syndromes, Hereditary. Identifiers: Orphanet 140162, MedGen C0027672, MeSH D009386, MONDO:0015356.

Allele frequency attached by ClinVar (database versions not stated): gnomAD exomes below 0.00001; ExAC 0.00001; TOPMed 0.00001; ESP Exome Variant Server 0.00008.

Submissions (2):

Ambry Genetics
Classification: Uncertain significance for Hereditary cancer-predisposing syndrome. Last evaluated: 2025-11-03. Review status: criteria provided, single submitter. Criteria: Ambry Variant Classification Scheme 2023. Collection method: clinical testing. Allele origin: germline.
Comment: The p.G79S variant (also known as c.235G>A), located in coding exon 3 of the POLE gene, results from a G to A substitution at nucleotide position 235. The glycine at codon 79 is replaced by serine, an amino acid with similar properties. This amino acid position is conserved. In addition, this alteration is predicted to be tolerated by in silico analysis. Since supporting evidence is limited at this time, the clinical significance of this alteration remains unclear.

Labcorp Genetics (formerly Invitae), Labcorp
Classification: Uncertain significance. Last evaluated: 2024-12-24. Review status: criteria provided, single submitter. Criteria: Invitae Variant Classification Sherloc (09022015). Collection method: clinical testing. Allele origin: germline.
Comment: This sequence change replaces glycine, which is neutral and non-polar, with serine, which is neutral and polar, at codon 79 of the POLE protein (p.Gly79Ser). This variant is present in population databases (rs376927142, gnomAD 0.007%). This variant has not been reported in the literature in individuals affected with POLE-related conditions. ClinVar contains an entry for this variant (Variation ID: 646755). Invitae Evidence Modeling of protein sequence and biophysical properties (such as structural, functional, and spatial information, amino acid conservation, physicochemical variation, residue mobility, and thermodynamic stability) indicates that this missense variant is not expected to disrupt POLE protein function with a negative predictive value of 80%. In summary, the available evidence is currently insufficient to determine the role of this variant in disease. Therefore, it has been classified as a Variant of Uncertain Significance.

NM_006231.4(POLE):c.235G>A (p.Gly79Ser)

Gene: POLE (DNA polymerase epsilon, catalytic subunit; minus strand). Cytogenetic location: 12q24.33.
Variant type: single nucleotide variant.
Coding change: c.235G>A on transcript NM_006231.4 (MANE Select); coding-DNA position 235, G replaced by A.
Protein change: p.Gly79Ser; replaces glycine 79 with serine.
Molecular consequence: missense variant.
Genome position (GRCh38, 1-based): chr12:132,680,657, C>T on the plus strand (G>A on the coding strand, the complement: POLE is on the minus strand). VCF-style: chr12-132680657-C-T. GRCh37 (hg19) VCF-style: chr12-133257243-C-T.
Other names: short protein forms G79S.
Identifiers: ClinVar variation 646755 (VCV000646755.14), dbSNP rs376927142, ClinGen allele CA6894403.